The following is an entry in ClinVar:

NM_183050.4(BCKDHB):c.140_149delinsCTGCT (p.Gln47fs)

Gene: BCKDHB (branched chain keto acid dehydrogenase E1 subunit beta; plus strand). Cytogenetic location: 6q14.1.
Variant type: Indel.
Coding change: c.140_149delinsCTGCT on transcript NM_183050.4 (MANE Select); coding-DNA positions 140 to 149, AGAGGCGGCA replaced by CTGCT.
Protein change: p.Gln47fs; shifts the reading frame from glutamine 47.
Molecular consequence: frameshift variant. On other transcripts: 5 prime UTR variant (1), non-coding transcript variant (6), intron variant (1).
Genome position (GRCh38, 1-based): chr6:80,106,833-80,106,842, AGAGGCGGCA replaced by CTGCT. VCF-style: chr6-80106833-AGAGGCGGCA-CTGCT. GRCh37 (hg19) VCF-style: chr6-80816550-AGAGGCGGCA-CTGCT.
Other names: c.140_149delinsCTGCT, p.Gln47fs (NM_000056.5, NM_001424035.1, NM_001424036.1 and 8 more transcripts); c.-25_-16delinsCTGCT (NM_001424043.1); c.-15+150_-15+159delinsCTGCT (NM_001318975.1); short protein forms Q47fs.
Identifiers: ClinVar variation 5011418 (VCV005011418.1).
Genomic context (GRCh38, chr6:80,106,833, plus strand): 5'-CTGGCGCGGGGCTGGCGCGGGGCTTTTTGCACCCCGCCGCGACTGTCGAGGATGCGGCCC[AGAGGCGGCA>CTGCT]GGTGGCTCATTTTACTTTCCAGCCAGATCCGGAGCCCCGGGAGTACGGTGAGCCCTGGGA-3'

ClinVar aggregate classification (germline): Pathogenic (1 of 4 stars; one submission).

Conditions:
Maple syrup urine disease type 1B (MSUD1B). Also called: MSUD type IB; MSUD type 3 (formerly); MSUD due to deficiency of e1-beta subunit of branched-chain alpha-keto acid dehydrogenase complex. Identifiers: MedGen C2930990, MONDO:0023692, OMIM 620698.

Submission:

Myriad Genetics, Inc.
Classification: Pathogenic for Maple syrup urine disease type 1B. Last evaluated: 2023-08-21. Review status: criteria provided, single submitter. Criteria: Myriad Autosomal Dominant, Autosomal Recessive and X-Linked Classification Criteria (2023). Collection method: clinical testing. Allele origin: unknown.
Comment: NM_183050.2(BCKDHB):c.140_149del10ins5(Q47Pfs*35) is expected to be pathogenic in the context of maple syrup urine disease type Ib. This variant is predicted to lead to an abnormal or absent protein product due to the creation of a premature termination codon in BCKDHB, a gene where loss-of-function variants are known to be pathogenic. Please note: this variant was assessed in the context of healthy population screening.